The following is an entry in ClinVar:

ClinVar aggregate classification (germline): Uncertain significance. Review status: criteria provided, multiple submitters, no conflicts (2 of 4 stars). 2 submissions from 2 submitters: Uncertain significance (2). Last evaluated 2026-06-10.

Conditions:
Autosomal recessive severe congenital neutropenia due to G6PC3 deficiency. Also called: NEUTROPENIA, SEVERE CONGENITAL, 4, AUTOSOMAL RECESSIVE; G6PC3 Deficiency. Identifiers: Orphanet 331176, MedGen C2751630, MONDO:0012930, OMIM 612541.
Inborn genetic diseases. Identifiers: MedGen C0950123, MeSH D030342.

Submissions (2):

Ambry Genetics
Classification: Uncertain significance for Inborn genetic diseases. Last evaluated: 2026-06-10. Review status: criteria provided, single submitter. Criteria: Ambry Variant Classification Scheme 2023. Collection method: clinical testing. Allele origin: germline.
Comment: The p.V243A variant (also known as c.728T>C), located in coding exon 6 of the G6PC3 gene, results from a T to C substitution at nucleotide position 728. The valine at codon 243 is replaced by alanine, an amino acid with similar properties. This amino acid position is conserved. In addition, this alteration is predicted to be tolerated by in silico analysis. Based on the available evidence, the clinical significance of this variant remains unclear.

Labcorp Genetics (formerly Invitae), Labcorp
Classification: Uncertain significance for Autosomal recessive severe congenital neutropenia due to G6PC3 deficiency. Last evaluated: 2025-10-31. Review status: criteria provided, single submitter. Criteria: Invitae Variant Classification Sherloc (09022015). Collection method: clinical testing. Allele origin: germline.
Comment: This sequence change replaces valine, which is neutral and non-polar, with alanine, which is neutral and non-polar, at codon 243 of the G6PC3 protein (p.Val243Ala). This variant is not present in population databases (gnomAD no frequency). This variant has not been reported in the literature in individuals affected with G6PC3-related conditions. Invitae Evidence Modeling of protein sequence and biophysical properties (such as structural, functional, and spatial information, amino acid conservation, physicochemical variation, residue mobility, and thermodynamic stability) has been performed for this missense variant. However, the output from this modeling did not meet the statistical confidence thresholds required to predict the impact of this variant on G6PC3 protein function. In summary, the available evidence is currently insufficient to determine the role of this variant in disease. Therefore, it has been classified as a Variant of Uncertain Significance.

NM_138387.4(G6PC3):c.728T>C (p.Val243Ala)

Gene: G6PC3 (glucose-6-phosphatase catalytic subunit 3; plus strand). Cytogenetic location: 17q21.31.
Variant type: single nucleotide variant.
Coding change: c.728T>C on transcript NM_138387.4 (MANE Select); coding-DNA position 728, T replaced by C.
Protein change: p.Val243Ala; replaces valine 243 with alanine.
Molecular consequence: missense variant. On other transcripts: 3 prime UTR variant (1).
Genome position (GRCh38, 1-based): chr17:44,075,730, T>C. VCF-style: chr17-44075730-T-C. GRCh37 (hg19) VCF-style: chr17-42153098-T-C.
Other names: c.*21T>C (NM_001319945.2); c.383T>C, p.Val128Ala (NM_001384165.1, NM_001384166.1, NM_001384167.1 and 1 more transcripts); short protein forms V128A, V243A.
Identifiers: ClinVar variation 4737410 (VCV004737410.2).